The following is an entry in ClinVar:

NM_000551.4(VHL):c.337C>G (p.Arg113Gly)

Gene: VHL (von Hippel-Lindau tumor suppressor; plus strand). Cytogenetic location: 3p25.3.
Variant type: single nucleotide variant.
Coding change: c.337C>G on transcript NM_000551.4 (MANE Select); coding-DNA position 337, C replaced by G.
Protein change: p.Arg113Gly; replaces arginine 113 with glycine.
Molecular consequence: missense variant.
Genome position (GRCh38, 1-based): chr3:10,142,184, C>G. VCF-style: chr3-10142184-C-G. GRCh37 (hg19) VCF-style: chr3-10183868-C-G.
Other names: c.337C>G, p.Arg113Gly (NM_001354723.2, NM_198156.3); short protein forms R113G.
Identifiers: ClinVar variation 999410 (VCV000999410.11), dbSNP rs5030810, ClinGen allele CA351751365.

ClinVar aggregate classification (germline): Uncertain significance (1 of 4 stars; one submission).

Conditions:
Chuvash polycythemia. Also called: POLYCYTHEMIA, VHL-DEPENDENT. Identifiers: Orphanet 238557, MedGen C1837915, MONDO:0009892, OMIM 263400.
Von Hippel-Lindau syndrome (VHLS). Also called: VHL syndrome; Von Hippel-Lindau; von Hippel–Lindau syndrome. Identifiers: Orphanet 892, MedGen C0019562, MONDO:0008667, OMIM 193300. Disease mechanism: loss of function.

Allele frequency attached by ClinVar (database versions not stated): TOPMed below 0.00001.
gnomAD v4.1: 2 of 1,597,952 alleles (0.00013%); highest among the groups gnomAD compares: South Asian, 0.0011%; no homozygotes.

Submission:

Labcorp Genetics (formerly Invitae), Labcorp
Classification: Uncertain significance for Von Hippel-Lindau syndrome; Chuvash polycythemia. Last evaluated: 2021-06-04. Review status: criteria provided, single submitter. Criteria: Invitae Variant Classification Sherloc (09022015). Collection method: clinical testing. Allele origin: germline.
Comment: This sequence change replaces arginine with glycine at codon 113 of the VHL protein (p.Arg113Gly). The arginine residue is moderately conserved and there is a moderate physicochemical difference between arginine and glycine. This variant is not present in population databases (ExAC no frequency). This variant has not been reported in the literature in individuals with VHL-related conditions. Algorithms developed to predict the effect of missense changes on protein structure and function (SIFT, PolyPhen-2, Align-GVGD) all suggest that this variant is likely to be tolerated, but these predictions have not been confirmed by published functional studies and their clinical significance is uncertain. In summary, the available evidence is currently insufficient to determine the role of this variant in disease. Therefore, it has been classified as a Variant of Uncertain Significance.